The following is an entry in ClinVar:

ClinVar aggregate classification (germline): Uncertain significance (1 of 4 stars; one submission).

Submission:

GeneDx
Classification: Uncertain significance. Last evaluated: 2021-04-30. Review status: criteria provided, single submitter. Criteria: GeneDx Variant Classification Process June 2021. Collection method: clinical testing. Allele origin: germline. Affected: yes.
Comment: Not observed in large population cohorts (Lek et al., 2016); Nonsense variant predicted to result in protein truncation as the last 26 amino acids are lost, although loss-of-function variants have not been reported downstream of this position in the protein; Has not been previously published as pathogenic or benign to our knowledge

NM_024334.3(TMEM43):c.1124G>A (p.Trp375Ter)

Gene: TMEM43 (transmembrane protein 43; plus strand). Cytogenetic location: 3p25.1.
Variant type: single nucleotide variant.
Coding change: c.1124G>A on transcript NM_024334.3 (MANE Select); coding-DNA position 1124, G replaced by A.
Protein change: p.Trp375Ter; replaces tryptophan 375 with a stop codon.
Molecular consequence: nonsense.
Genome position (GRCh38, 1-based): chr3:14,141,716, G>A. VCF-style: chr3-14141716-G-A. GRCh37 (hg19) VCF-style: chr3-14183216-G-A.
Other names: short protein forms W375*.
Identifiers: ClinVar variation 1314993 (VCV001314993.2), dbSNP rs1695249822, ClinGen allele CA351536577.